The following is an entry in ClinVar:

ClinVar aggregate classification (germline): Likely benign (1 of 4 stars; one submission).

gnomAD v4.1: 982 of 1,613,994 alleles (0.061%); highest among the groups gnomAD compares: African/African-American, 1.1%; 7 homozygotes.

Submission:

CeGaT Center for Human Genetics Tuebingen
Classification: Likely benign. Last evaluated: 2026-03-01. Review status: criteria provided, single submitter. Criteria: CeGaT Center For Human Genetics Tuebingen Variant Classification Criteria Version 2. Collection method: clinical testing. Allele origin: germline. Affected: yes. Observed: 1 variant allele.
Comment: DENND5B: BP4, BS1

NM_144973.4(DENND5B):c.1409A>G (p.Lys470Arg)

Gene: DENND5B (DENN domain containing 5B; minus strand). Cytogenetic location: 12p11.21.
Variant type: single nucleotide variant.
Coding change: c.1409A>G on transcript NM_144973.4 (MANE Select); coding-DNA position 1409, A replaced by G.
Protein change: p.Lys470Arg; replaces lysine 470 with arginine.
Molecular consequence: missense variant.
Genome position (GRCh38, 1-based): chr12:31,452,160, T>C on the plus strand (A>G on the coding strand, the complement: DENND5B is on the minus strand). VCF-style: chr12-31452160-T-C. GRCh37 (hg19) VCF-style: chr12-31605094-T-C.
Other names: c.1514A>G, p.Lys505Arg (NM_001308339.2); c.1475A>G, p.Lys492Arg (NM_001366890.1, NM_001366893.1); c.878A>G, p.Lys293Arg (NM_001366891.1); c.1409A>G, p.Lys470Arg (NM_001366892.1); short protein forms K293R, K470R, K492R, K505R.
Identifiers: ClinVar variation 4821002 (VCV004821002.4).